The following is an entry in ClinVar:

NM_000368.5(TSC1):c.1894A>G (p.Lys632Glu)

Gene: TSC1 (TSC complex subunit 1; minus strand). Cytogenetic location: 9q34.13.
Variant type: single nucleotide variant.
Coding change: c.1894A>G on transcript NM_000368.5 (MANE Select); coding-DNA position 1894, A replaced by G.
Protein change: p.Lys632Glu; replaces lysine 632 with glutamic acid.
Molecular consequence: missense variant.
Genome position (GRCh38, 1-based): chr9:132,905,684, T>C on the plus strand (A>G on the coding strand, the complement: TSC1 is on the minus strand). VCF-style: chr9-132905684-T-C. GRCh37 (hg19) VCF-style: chr9-135781071-T-C.
Other names: c.1891A>G, p.Lys631Glu (NM_001406599.1, NM_001406600.1, NM_001406603.1 and 6 more transcripts); c.1894A>G, p.Lys632Glu (NM_001406601.1, NM_001406602.1, NM_001406605.1 and 7 more transcripts); c.1741A>G, p.Lys581Glu (NM_001406610.1, NM_001162427.2); c.1738A>G, p.Lys580Glu (NM_001406611.1, NM_001406612.1, NM_001406613.1); c.1531A>G, p.Lys511Glu (NM_001406614.1, NM_001406615.1, NM_001406616.1 and 5 more transcripts); c.1528A>G, p.Lys510Glu (NM_001406620.1, NM_001406621.1, NM_001406622.1 and 2 more transcripts); c.943A>G, p.Lys315Glu (NM_001406626.1); c.940A>G, p.Lys314Glu (NM_001406627.1, NM_001406628.1); and 1 more; short protein forms K315E, K580E, K510E, K511E, K581E, K281E, K314E, K631E.
Identifiers: ClinVar variation 1782118 (VCV001782118.2), dbSNP rs2131815219, ClinGen allele CA375362861.

ClinVar aggregate classification (germline): Uncertain significance (1 of 4 stars; one submission).

Conditions:
Hereditary cancer-predisposing syndrome. Also called: Neoplastic Syndromes, Hereditary; Tumor predisposition; Hereditary Cancer Syndrome; Hereditary neoplastic syndrome. Identifiers: Orphanet 140162, MedGen C0027672, MeSH D009386, MONDO:0015356.

Submission:

Ambry Genetics
Classification: Uncertain significance for Hereditary cancer-predisposing syndrome. Last evaluated: 2022-01-31. Review status: criteria provided, single submitter. Criteria: Ambry Variant Classification Scheme 2023. Collection method: clinical testing. Allele origin: germline.
Comment: The p.K632E variant (also known as c.1894A>G), located in coding exon 13 of the TSC1 gene, results from an A to G substitution at nucleotide position 1894. The lysine at codon 632 is replaced by glutamic acid, an amino acid with similar properties. This amino acid position is conserved. In addition, this alteration is predicted to be tolerated by in silico analysis. Since supporting evidence is limited at this time, the clinical significance of this alteration remains unclear.